The following is an entry in ClinVar:

ClinVar aggregate classification (germline): Pathogenic (1 of 4 stars; one submission).

gnomAD v4.1: 5 of 1,614,090 alleles (0.00031%); highest among the groups gnomAD compares: Non-Finnish European, 0.00042%; no homozygotes.

Submission:

Labcorp Genetics (formerly Invitae), Labcorp
Classification: Pathogenic. Last evaluated: 2023-01-22. Review status: criteria provided, single submitter. Criteria: Invitae Variant Classification Sherloc (09022015). Collection method: clinical testing. Allele origin: germline.
Comment: For these reasons, this variant has been classified as Pathogenic. ClinVar contains an entry for this variant (Variation ID: 1360384). This variant has not been reported in the literature in individuals affected with ALPK3-related conditions. This variant is not present in population databases (gnomAD no frequency). This sequence change creates a premature translational stop signal (p.Gly1048*) in the ALPK3 gene. It is expected to result in an absent or disrupted protein product. Loss-of-function variants in ALPK3 are known to be pathogenic (PMID: 21441111, 26846950, 27106955, 34263907).

Literature cited by the submitters: PubMed 21441111; PubMed 26846950; PubMed 27106955; PubMed 34263907.

NM_020778.5(ALPK3):c.2536G>T (p.Gly846Ter)

Gene: ALPK3 (alpha kinase 3; plus strand). Cytogenetic location: 15q25.3.
Variant type: single nucleotide variant.
Coding change: c.2536G>T on transcript NM_020778.5 (MANE Select); coding-DNA position 2536, G replaced by T.
Protein change: p.Gly846Ter; replaces glycine 846 with a stop codon.
Molecular consequence: nonsense.
Genome position (GRCh38, 1-based): chr15:84,857,274, G>T. VCF-style: chr15-84857274-G-T. GRCh37 (hg19) VCF-style: chr15-85400505-G-T.
Other names: short protein forms G846*.
Identifiers: ClinVar variation 1360384 (VCV001360384.8), dbSNP rs202153052, ClinGen allele CA393357503.